The following is an entry in ClinVar:

ClinVar aggregate classification (germline): Uncertain significance. Review status: criteria provided, multiple submitters, no conflicts (2 of 4 stars). 7 submissions from 7 submitters: Uncertain significance (5). 2 of the submissions do not count toward it. Last evaluated 2024-11-11.

Conditions:
Fanconi anemia (FA). Also called: Fanconi's anemia. Identifiers: Orphanet 84, MedGen C0015625, MeSH D005199, MONDO:0019391.
Fanconi anemia complementation group G. Also called: FANCG-Related Fanconi Anemia; Fanconi anemia group G. Identifiers: Orphanet 84, MedGen C3469527, MONDO:0013565, OMIM 614082.

Submissions (7):

Blueprint Genetics
Classification: Uncertain significance. Last evaluated: 2024-11-11. Review status: criteria provided, single submitter. Criteria: ACMG Guidelines, 2015. Collection method: clinical testing. Allele origin: germline.

Labcorp Genetics (formerly Invitae), Labcorp
Classification: Uncertain significance for Fanconi anemia. Last evaluated: 2024-07-08. Review status: criteria provided, single submitter. Criteria: Invitae Variant Classification Sherloc (09022015). Collection method: clinical testing. Allele origin: germline.
Comment: This sequence change creates a premature translational stop signal (p.Lys618Valfs*3) in the FANCG gene. While this is not anticipated to result in nonsense mediated decay, it is expected to disrupt the last 5 amino acid(s) of the FANCG protein. This variant is present in population databases (rs532302967, gnomAD 0.03%). This variant has not been reported in the literature in individuals affected with FANCG-related conditions. ClinVar contains an entry for this variant (Variation ID: 134362). Experimental studies and prediction algorithms are not available or were not evaluated, and the functional significance of this variant is currently unknown. In summary, the available evidence is currently insufficient to determine the role of this variant in disease. Therefore, it has been classified as a Variant of Uncertain Significance.

Women's Health and Genetics/Laboratory Corporation of America, LabCorp
Classification: Uncertain significance. Last evaluated: 2022-08-10. Review status: criteria provided, single submitter. Criteria: LabCorp Variant Classification Summary - May 2015. Collection method: clinical testing. Allele origin: germline.
Comment: Variant summary: FANCG c.1852_1853delAA (p.Lys618ValfsX3) results in a premature termination codon in the last exon of the gene and is predicted to affect the last five amino acids of the encoded protein. It is not expected to cause nonsense mediated decay. The variant allele was found at a frequency of 4.4e-05 in 251486 control chromosomes (gnomAD). This frequency is not significantly higher than expected for a pathogenic variant in FANCG causing Fanconi Anemia (4.4e-05 vs 0.00088), allowing no conclusion about variant significance. To our knowledge, no occurrence of c.1852_1853delAA in individuals affected with Fanconi Anemia and no experimental evidence demonstrating its impact on protein function have been reported. Two clinical diagnostic laboratories have submitted clinical-significance assessments for this variant to ClinVar after 2014 and both classified the variant as uncertain significance. Based on the evidence outlined above, the variant was classified as uncertain significance.

Fulgent Genetics
Classification: Uncertain significance for Fanconi anemia complementation group G. Last evaluated: 2022-04-19. Review status: criteria provided, single submitter. Criteria: ACMG Guidelines, 2015. Collection method: clinical testing. Allele origin: unknown.

Breakthrough Genomics
Classification: Uncertain significance. Review status: criteria provided, single submitter. Criteria: ACMG Guidelines, 2015. Collection method: not provided. Allele origin: germline. Inheritance: Autosomal recessive inheritance. Affected: yes.

Natera, Inc.
Classification: Uncertain significance for Fanconi anemia group G. Last evaluated: 2020-08-24. Review status: no assertion criteria provided. Collection method: clinical testing. Allele origin: germline. Not counted in ClinVar's aggregate classification.

ITMI
No classification provided. Condition: AllHighlyPenetrant. Last evaluated: 2013-09-19. Review status: no classification provided. Collection method: reference population. Allele origin: germline. Not counted in ClinVar's aggregate classification.
Comment: Please see associated publication for description of ethnicities

Literature cited by the submitters: PubMed 24728327 (cited by ITMI).

NM_004629.2(FANCG):c.1852_1853del (p.Lys618fs)

Gene: FANCG (FA complementation group G; minus strand). Cytogenetic location: 9p13.3.
Variant type: Deletion.
Coding change: c.1852_1853del on transcript NM_004629.2 (MANE Select); coding-DNA positions 1852 to 1853, 2 bases deleted (AA; older notation c.1852_1853delAA).
Protein change: p.Lys618fs; shifts the reading frame from lysine 618.
Molecular consequence: frameshift variant.
Genome position (GRCh38, 1-based): chr9:35,074,124-35,074,125, TT deleted on the plus strand (AA on the coding strand, the reverse complement: FANCG is on the minus strand); deleting any 2 consecutive bases within chr9:35,074,124-35,074,126 gives the same sequence; the c. name uses the placement nearest the transcript's 3' end. VCF-style (leftmost placement, unchanged base first): chr9-35074123-CTT-C. GRCh37 (hg19) VCF-style: chr9-35074120-CTT-C.
Other names: c.1852_1853delAA (NM_004629.1); short protein forms K618fs.
Identifiers: ClinVar variation 134362 (VCV000134362.8), dbSNP rs532302967, ClinGen allele CA159603.